The following is an entry in ClinVar:

ClinVar aggregate classification (germline): Uncertain significance. Review status: criteria provided, multiple submitters, no conflicts (2 of 4 stars). 3 submissions from 3 submitters: Uncertain significance (3). Last evaluated 2025-06-18.

Allele frequency attached by ClinVar (database versions not stated): gnomAD 0.00001 and 0.00003; TOPMed 0.00001; gnomAD exomes 0.00008 and 0.00015; ExAC 0.00015.

Submissions (3):

Ambry Genetics
Classification: Uncertain significance. Last evaluated: 2025-06-18. Review status: criteria provided, single submitter. Criteria: Ambry Variant Classification Scheme 2023. Collection method: clinical testing. Allele origin: germline.

Blueprint Genetics
Classification: Uncertain significance. Last evaluated: 2023-12-12. Review status: criteria provided, single submitter. Criteria: ACMG Guidelines, 2015. Collection method: clinical testing. Allele origin: germline.

Labcorp Genetics (formerly Invitae), Labcorp
Classification: Uncertain significance. Last evaluated: 2023-09-25. Review status: criteria provided, single submitter. Criteria: Invitae Variant Classification Sherloc (09022015). Collection method: clinical testing. Allele origin: germline.
Comment: This sequence change replaces arginine, which is basic and polar, with glutamine, which is neutral and polar, at codon 308 of the IDH3B protein (p.Arg308Gln). This variant is present in population databases (rs779265043, gnomAD 0.1%). This variant has not been reported in the literature in individuals affected with IDH3B-related conditions. ClinVar contains an entry for this variant (Variation ID: 1472684). Advanced modeling of protein sequence and biophysical properties (such as structural, functional, and spatial information, amino acid conservation, physicochemical variation, residue mobility, and thermodynamic stability) has been performed at Invitae for this missense variant, however the output from this modeling did not meet the statistical confidence thresholds required to predict the impact of this variant on IDH3B protein function. In summary, the available evidence is currently insufficient to determine the role of this variant in disease. Therefore, it has been classified as a Variant of Uncertain Significance.

NM_006899.5(IDH3B):c.923G>A (p.Arg308Gln)

Gene: IDH3B (isocitrate dehydrogenase (NAD(+)) 3 non-catalytic subunit beta; minus strand). Cytogenetic location: 20p13.
Variant type: single nucleotide variant.
Coding change: c.923G>A on transcript NM_006899.5 (MANE Select); coding-DNA position 923, G replaced by A.
Protein change: p.Arg308Gln; replaces arginine 308 with glutamine.
Molecular consequence: missense variant. On other transcripts: non-coding transcript variant (1).
Genome position (GRCh38, 1-based): chr20:2,659,786, C>T on the plus strand (G>A on the coding strand, the complement: IDH3B is on the minus strand). VCF-style: chr20-2659786-C-T. GRCh37 (hg19) VCF-style: chr20-2640432-C-T.
Other names: c.923G>A (NM_006899.2); c.923G>A, p.Arg308Gln (NM_001258384.3, NM_001330763.2, NM_174855.4); short protein forms R308Q.
Identifiers: ClinVar variation 1472684 (VCV001472684.10), dbSNP rs779265043, ClinGen allele CA9735132.
Genomic context (GRCh38, chr20:2,659,786, plus strand): 5'-GACAGCAGCATGGCCGTGGGATTGGCTATATTCCTGCCCACTGCCTGGGCAAATGGGTGC[C>T]GGGCACCCTGTGGAGAGAGGGGCAGGCTAGACACTGGGAGGAGGCAGGAGGGGTATGCAG-3'
Protein context (NP_008830.2, residues 298-318): AEYAVFETGA[Arg308Gln]HPFAQAVGRN